The following is an entry in ClinVar:

NM_021831.6(AGBL5):c.2072T>A (p.Val691Glu)

Gene: AGBL5 (AGBL carboxypeptidase 5; plus strand). Cytogenetic location: 2p23.3.
Variant type: single nucleotide variant.
Coding change: c.2072T>A on transcript NM_021831.6 (MANE Select); coding-DNA position 2072, T replaced by A.
Protein change: p.Val691Glu; replaces valine 691 with glutamic acid.
Molecular consequence: missense variant. On other transcripts: non-coding transcript variant (2).
Genome position (GRCh38, 1-based): chr2:27,059,387, T>A. VCF-style: chr2-27059387-T-A. GRCh37 (hg19) VCF-style: chr2-27282255-T-A.
Other names: c.2072T>A, p.Val691Glu (NM_001035507.3); short protein forms V691E.
Identifiers: ClinVar variation 1001069 (VCV001001069.8), dbSNP rs1390455160, ClinGen allele CA346188807.

ClinVar aggregate classification (germline): Uncertain significance (1 of 4 stars; one submission).

Submission:

Labcorp Genetics (formerly Invitae), Labcorp
Classification: Uncertain significance. Last evaluated: 2022-10-13. Review status: criteria provided, single submitter. Criteria: Invitae Variant Classification Sherloc (09022015). Collection method: clinical testing. Allele origin: germline.
Comment: In summary, the available evidence is currently insufficient to determine the role of this variant in disease. Therefore, it has been classified as a Variant of Uncertain Significance. Algorithms developed to predict the effect of missense changes on protein structure and function (SIFT, PolyPhen-2, Align-GVGD) all suggest that this variant is likely to be tolerated. ClinVar contains an entry for this variant (Variation ID: 1001069). This variant has not been reported in the literature in individuals affected with AGBL5-related conditions. This variant is not present in population databases (gnomAD no frequency). This sequence change replaces valine, which is neutral and non-polar, with glutamic acid, which is acidic and polar, at codon 691 of the AGBL5 protein (p.Val691Glu).